The following is an entry in ClinVar:

ClinVar aggregate classification (germline): Benign/Likely benign. Review status: criteria provided, multiple submitters, no conflicts (2 of 4 stars). 3 submissions from 2 submitters: Benign (2); Likely benign (1). Last evaluated 2018-11-08.

Conditions:
Leydig cell agenesis. Also called: LEYDIG CELL HYPOPLASIA WITH MALE PSEUDOHERMAPHRODITISM; LEYDIG CELL HYPOPLASIA, COMPLETE; HYPERGONADOTROPIC HYPOGONADISM, MALE, DUE TO LHCGR DEFECT; Leydig cell hypoplasia, type 1. Identifiers: MedGen C0266432, MONDO:0009384, OMIM 238320.
Gonadotropin-independent familial sexual precocity. Also called: TESTOTOXICOSIS, FAMILIAL; Familial male-limited precocious puberty. Identifiers: Orphanet 3000, MedGen C0342549, MONDO:0008303, OMIM 176410.

Allele frequency attached by ClinVar (database versions not stated): gnomAD exomes 0.00088; gnomAD 0.00711 and 0.00766; TOPMed 0.00798; 1000 Genomes Project 30x 0.00906; 1000 Genomes Project 0.00978.

Submissions (3):

GeneDx
Classification: Likely benign. Last evaluated: 2018-11-08. Review status: criteria provided, single submitter. Criteria: GeneDx Variant Classification Process June 2021. Collection method: clinical testing. Allele origin: germline. Affected: yes.

Illumina Laboratory Services, Illumina
Classification: Benign for Gonadotropin-independent familial sexual precocity. Last evaluated: 2018-01-12. Review status: criteria provided, single submitter. Criteria: ICSL Variant Classification Criteria 13 December 2019. Collection method: clinical testing. Allele origin: germline.
Comment: This variant was observed in the ICSL laboratory as part of a predisposition screen in an ostensibly healthy population. It had not been previously curated by ICSL or reported in the Human Gene Mutation Database (HGMD: prior to June 1st, 2018), and was therefore a candidate for classification through an automated scoring system. Utilizing variant allele frequency, disease prevalence and penetrance estimates, and inheritance mode, an automated score was calculated to assess if this variant is too frequent to cause the disease. Based on the score and internal cut-off values, a variant classified as benign is not then subjected to further curation. The score for this variant resulted in a classification of benign for this disease.

Illumina Laboratory Services, Illumina
Classification: Benign for Leydig cell agenesis. Last evaluated: 2018-01-12. Review status: criteria provided, single submitter. Criteria: ICSL Variant Classification Criteria 13 December 2019. Collection method: clinical testing. Allele origin: germline.
Comment: the same text as in the submission from Illumina Laboratory Services, Illumina above.

NM_000233.4(LHCGR):c.*131C>T

Genes: LHCGR (luteinizing hormone/choriogonadotropin receptor; minus strand), STON1-GTF2A1L (STON1-GTF2A1L readthrough; plus strand). Cytogenetic location: 2p16.3.
Variant type: single nucleotide variant.
Coding change: c.*131C>T on transcript NM_000233.4 (MANE Select); 131 bases downstream of the stop codon, C replaced by T.
Molecular consequence: 3 prime UTR variant. On other transcripts: intron variant (1).
Genome position (GRCh38, 1-based): chr2:48,687,566, G>A on the plus strand (C>T on the coding strand, the complement: LHCGR is on the minus strand). VCF-style: chr2-48687566-G-A. GRCh37 (hg19) VCF-style: chr2-48914705-G-A.
Other names: c.3441+15886G>A (NM_001198593.2).
Identifiers: ClinVar variation 336456 (VCV000336456.8), dbSNP rs73928204, ClinGen allele CA10614060.
Genomic context (GRCh38, chr2:48,687,566, plus strand): 5'-ACAATGACAAATAGTTTTTAGTGTGGCAGTGGTCATAGACTACACTTTCTACTAGGTAGA[G>A]GTCTCTTGCCTAATGTACCTAAAAATAAATAATTTCCTAAATCCAACCCTTTATGTTAAA-3'